The following is an entry in ClinVar:

ClinVar aggregate classification (germline): Conflicting classifications of pathogenicity. Review status: criteria provided, conflicting classifications (1 of 4 stars). 6 submissions from 6 submitters: Pathogenic (2); Likely pathogenic (1); Uncertain significance (3). Last evaluated 2025-11-23.

Conditions:
Cardiovascular phenotype. Identifiers: MedGen CN230736.
Dilated cardiomyopathy 1DD (CMD1DD). Identifiers: Orphanet 154, MedGen C2750995, MONDO:0013168, OMIM 613172.

Allele frequency attached by ClinVar (database versions not stated): TOPMed below 0.00001; gnomAD exomes 0.00001; gnomAD 0.00002.

Submissions (6):

Labcorp Genetics (formerly Invitae), Labcorp
Classification: Pathogenic for Dilated cardiomyopathy 1DD. Last evaluated: 2025-11-23. Review status: criteria provided, single submitter. Criteria: Invitae Variant Classification Sherloc (09022015). Collection method: clinical testing. Allele origin: germline.
Comment: This sequence change creates a premature translational stop signal (p.Arg688*) in the RBM20 gene. It is expected to result in an absent or disrupted protein product. Loss-of-function variants in RBM20 are known to be pathogenic (PMID: 20590677, 22004663, 38288598, 38510713, 40339755). This variant is present in population databases (rs794729150, gnomAD 0.007%). This premature translational stop signal has been observed in individuals with clinical features of RBM20-related conditions (PMID: 25979592, 28798025, 31514951; internal data). It has also been observed to segregate with disease in related individuals. ClinVar contains an entry for this variant (Variation ID: 202065). For these reasons, this variant has been classified as Pathogenic.

Mayo Clinic Laboratories, Mayo Clinic
Classification: Likely pathogenic. Last evaluated: 2025-10-02. Review status: criteria provided, single submitter. Criteria: ACMG Guidelines, 2015. Collection method: clinical testing. Allele origin: germline. Observed: 1 variant allele.
Comment: PP1_moderate, PM2_supporting, PS4

CeGaT Center for Human Genetics Tuebingen
Classification: Uncertain significance. Last evaluated: 2025-03-01. Review status: criteria provided, single submitter. Criteria: CeGaT Center For Human Genetics Tuebingen Variant Classification Criteria Version 2. Collection method: clinical testing. Allele origin: germline. Affected: yes. Observed: 1 variant allele.
Comment: RBM20: PM2, PS4:Moderate

Ambry Genetics
Classification: Uncertain significance for Cardiovascular phenotype. Last evaluated: 2025-02-14. Review status: criteria provided, single submitter. Criteria: Ambry Variant Classification Scheme 2023. Collection method: clinical testing. Allele origin: germline.
Comment: The p.R688* variant (also known as c.2062C>T), located in coding exon 9 of the RBM20 gene, results from a C to T substitution at nucleotide position 2062. This changes the amino acid from an arginine to a stop codon within coding exon 9. This variant was reported in individual(s) with features consistent with dilated cardiomyopathy (Waldm&uuml;ller S et al. Mol Cell Probes, 2015 Oct;29:308-14; Gigli M et al. J Am Coll Cardiol, 2019 09;74:1480-1490; Xiao L et al. Front Cardiovasc Med, 2021 Apr;8:657689; Bourfiss M et al. Circ Genom Precis Med, 2022 Dec;15:e003704). This alteration is expected to result in premature protein truncation or nonsense-mediated mRNA decay. However, loss of function of RBM20 has not been clearly established as a mechanism of disease. Based on the available evidence, the clinical significance of this variant remains unclear.

Institute of Immunology and Genetics Kaiserslautern
Classification: Pathogenic for Dilated cardiomyopathy 1DD. Last evaluated: 2025-01-30. Review status: criteria provided, single submitter. Criteria: ACMG Guidelines, 2015. Collection method: clinical testing. Allele origin: germline. Affected: yes.
Comment: ACMG Criteria: PVS1, PM2, PP5; Variant was found in heterozygous state

Fulgent Genetics
Classification: Uncertain significance for Dilated cardiomyopathy 1DD. Last evaluated: 2021-08-20. Review status: criteria provided, single submitter. Criteria: ACMG Guidelines, 2015. Collection method: clinical testing. Allele origin: unknown.

Literature cited by the submitters: PubMed 20590677 (cited by Labcorp Genetics (formerly Invitae), Labcorp); PubMed 22004663 (cited by Labcorp Genetics (formerly Invitae), Labcorp and Mayo Clinic Laboratories, Mayo Clinic); PubMed 38288598 (cited by Labcorp Genetics (formerly Invitae), Labcorp); PubMed 38510713 (cited by Labcorp Genetics (formerly Invitae), Labcorp and Mayo Clinic Laboratories, Mayo Clinic); PubMed 40339755 (cited by Labcorp Genetics (formerly Invitae), Labcorp); PubMed 25979592 (cited by 3 submitters); PubMed 28798025 (cited by Labcorp Genetics (formerly Invitae), Labcorp and Mayo Clinic Laboratories, Mayo Clinic); PubMed 31514951 (cited by 3 submitters); PubMed 28416588 (cited by Mayo Clinic Laboratories, Mayo Clinic); PubMed 30871351 (cited by Mayo Clinic Laboratories, Mayo Clinic); PubMed 33671899 (cited by Mayo Clinic Laboratories, Mayo Clinic); PubMed 33996946 (cited by Mayo Clinic Laboratories, Mayo Clinic and Ambry Genetics); PubMed 34201072 (cited by Mayo Clinic Laboratories, Mayo Clinic); PubMed 36396199 (cited by Mayo Clinic Laboratories, Mayo Clinic); PubMed 36264615 (cited by Ambry Genetics).

NM_001134363.3(RBM20):c.2062C>T (p.Arg688Ter)

Gene: RBM20 (RNA binding motif protein 20; plus strand). Cytogenetic location: 10q25.2.
Variant type: single nucleotide variant.
Coding change: c.2062C>T on transcript NM_001134363.3 (MANE Select); coding-DNA position 2062, C replaced by T.
Protein change: p.Arg688Ter; replaces arginine 688 with a stop codon.
Molecular consequence: nonsense.
Genome position (GRCh38, 1-based): chr10:110,812,459, C>T. VCF-style: chr10-110812459-C-T. GRCh37 (hg19) VCF-style: chr10-112572217-C-T.
Other names: p.Arg688*; short protein forms R688*.
Identifiers: ClinVar variation 202065 (VCV000202065.21), dbSNP rs794729150, ClinGen allele CA335555.